The following is an entry in ClinVar:

NM_033026.6(PCLO):c.6666T>G (p.Asp2222Glu)

Gene: PCLO (piccolo presynaptic cytomatrix protein; minus strand). Cytogenetic location: 7q21.11.
Variant type: single nucleotide variant.
Coding change: c.6666T>G on transcript NM_033026.6 (MANE Select); coding-DNA position 6666, T replaced by G.
Protein change: p.Asp2222Glu; replaces aspartic acid 2222 with glutamic acid.
Molecular consequence: missense variant.
Genome position (GRCh38, 1-based): chr7:82,954,287, A>C on the plus strand (T>G on the coding strand, the complement: PCLO is on the minus strand). VCF-style: chr7-82954287-A-C. GRCh37 (hg19) VCF-style: chr7-82583603-A-C.
Other names: c.6666T>G (NM_033026.5); c.6666T>G, p.Asp2222Glu (NM_014510.3); short protein forms D2222E.
Identifiers: ClinVar variation 2092264 (VCV002092264.5), dbSNP rs1795448838, ClinGen allele CA367918666.

ClinVar aggregate classification (germline): Uncertain significance. Review status: criteria provided, multiple submitters, no conflicts (2 of 4 stars). 2 submissions from 2 submitters: Uncertain significance (2). Last evaluated 2025-02-12.

Conditions:
Inborn genetic diseases. Identifiers: MedGen C0950123, MeSH D030342.

Allele frequency attached by ClinVar (database versions not stated): gnomAD exomes below 0.00001.
gnomAD v4.1: 2 of 1,613,676 alleles (0.00012%); highest among the groups gnomAD compares: Non-Finnish European, 0.00017%; no homozygotes.

Submissions (2):

Ambry Genetics
Classification: Uncertain significance for Inborn genetic diseases. Last evaluated: 2025-02-12. Review status: criteria provided, single submitter. Criteria: Ambry Variant Classification Scheme 2023. Collection method: clinical testing. Allele origin: germline.

Labcorp Genetics (formerly Invitae), Labcorp
Classification: Uncertain significance. Last evaluated: 2022-02-03. Review status: criteria provided, single submitter. Criteria: Invitae Variant Classification Sherloc (09022015). Collection method: clinical testing. Allele origin: germline.
Comment: In summary, the available evidence is currently insufficient to determine the role of this variant in disease. Therefore, it has been classified as a Variant of Uncertain Significance. Algorithms developed to predict the effect of missense changes on protein structure and function are either unavailable or do not agree on the potential impact of this missense change (SIFT: "Tolerated"; PolyPhen-2: "Not Available"; Align-GVGD: "Class C0"). This variant has not been reported in the literature in individuals affected with PCLO-related conditions. This variant is not present in population databases (gnomAD no frequency). This sequence change replaces aspartic acid, which is acidic and polar, with glutamic acid, which is acidic and polar, at codon 2222 of the PCLO protein (p.Asp2222Glu).